The following is an entry in ClinVar:

ClinVar aggregate classification (germline): Pathogenic (1 of 4 stars; one submission).

Submission:

Labcorp Genetics (formerly Invitae), Labcorp
Classification: Pathogenic. Last evaluated: 2022-09-01. Review status: criteria provided, single submitter. Criteria: Invitae Variant Classification Sherloc (09022015). Collection method: clinical testing. Allele origin: germline.
Comment: For these reasons, this variant has been classified as Pathogenic. This sequence change creates a premature translational stop signal (p.Ser1023Leufs*8) in the MPDZ gene. It is expected to result in an absent or disrupted protein product. Loss-of-function variants in MPDZ are known to be pathogenic (PMID: 23240096, 28556411). This variant is present in population databases (no rsID available, gnomAD 0.001%). This variant has not been reported in the literature in individuals affected with MPDZ-related conditions.

Literature cited by the submitters: PubMed 23240096; PubMed 28556411.

NM_001378778.1(MPDZ):c.3066_3069del (p.Ser1023fs)

Gene: MPDZ (multiple PDZ domain crumbs cell polarity complex component; minus strand). Cytogenetic location: 9p23.
Variant type: Deletion.
Coding change: c.3066_3069del on transcript NM_001378778.1 (MANE Select); coding-DNA positions 3066 to 3069, 4 bases deleted (TAGT; older notation c.3066_3069delTAGT).
Protein change: p.Ser1023fs; shifts the reading frame from serine 1023.
Molecular consequence: frameshift variant.
Genome position (GRCh38, 1-based): chr9:13,168,551-13,168,554, ACTA deleted on the plus strand (TAGT on the coding strand, the reverse complement: MPDZ is on the minus strand); deleting any 4 consecutive bases within chr9:13,168,551-13,168,557 gives the same sequence; the c. name uses the placement nearest the transcript's 3' end. VCF-style (leftmost placement, unchanged base first): chr9-13168550-CACTA-C. GRCh37 (hg19) VCF-style: chr9-13168549-CACTA-C.
Other names: c.3066_3069del, p.Ser1023fs (NM_001375421.1, NM_001375422.1, NM_001375423.1 and 14 more transcripts); short protein forms S1023fs.
Identifiers: ClinVar variation 2110646 (VCV002110646.4), dbSNP rs1563948056, ClinGen allele CA586637508.